The following is an entry in ClinVar:

ClinVar aggregate classification (germline): Pathogenic/Likely pathogenic. Review status: criteria provided, multiple submitters, no conflicts (2 of 4 stars). 4 submissions from 4 submitters: Pathogenic (2); Likely pathogenic (1). 1 of the submissions does not count toward it. Last evaluated 2024-03-14.

Conditions:
Wiedemann-Steiner syndrome (WDSTS). Also called: Growth deficiency and mental retardation with facial dysmorphism. Identifiers: Orphanet 319182, MedGen C1854630, MONDO:0011518, OMIM 605130.

Submissions (4):

3billion
Classification: Pathogenic for Wiedemann-Steiner syndrome. Last evaluated: 2024-03-14. Review status: criteria provided, single submitter. Criteria: ACMG Guidelines, 2015. Collection method: clinical testing. Allele origin: germline. Affected: yes.
Comment: The variant is not observed in the gnomAD v2.1.1 dataset. Predicted Consequence/Location: Frameshift: predicted to result in a loss or disruption of normal protein function through nonsense-mediated decay (NMD) or protein truncation. Multiple pathogenic variants are reported downstream of the variant. The variant has been previously reported as de novo in a similarly affected individual (PMID: 29276005). The variant has been reported at least twice as pathogenic with clinical assertions and evidence for the classification (ClinVar ID: VCV000191274 /PMID: 29276005). Therefore, this variant is classified as Pathogenic according to the recommendation of ACMG/AMP guideline.

GeneDx
Classification: Pathogenic. Last evaluated: 2023-05-08. Review status: criteria provided, single submitter. Criteria: GeneDx Variant Classification Process June 2021. Collection method: clinical testing. Allele origin: germline. Affected: yes.
Comment: Frameshift variant predicted to result in protein truncation or nonsense mediated decay in a gene for which loss of function is a known mechanism of disease; Not observed at significant frequency in large population cohorts (gnomAD); This variant is associated with the following publications: (PMID: 26112015, 29276005, 31785789, 32949114, 33783954)

Genomic Medicine Center of Excellence, King Faisal Specialist Hospital and Research Centre
Classification: Likely pathogenic. Review status: criteria provided, single submitter. Criteria: ACMG Guidelines, 2015. Collection method: research. Allele origin: germline. Affected: yes.

Bioscientia Institut fuer Medizinische Diagnostik GmbH, Sonic Healthcare
Classification: Pathogenic for Wiedemann-Steiner syndrome. Last evaluated: 2019-06-25. Review status: no assertion criteria provided. Collection method: clinical testing. Allele origin: germline. Affected: yes. Not counted in ClinVar's aggregate classification.

Literature cited by the submitters: PubMed 29276005 (cited by 3billion).

NM_001197104.2(KMT2A):c.7567_7570del (p.Val2523fs)

Gene: KMT2A (lysine methyltransferase 2A; plus strand). Cytogenetic location: 11q23.3.
Variant type: Deletion.
Coding change: c.7567_7570del on transcript NM_001197104.2 (MANE Select); coding-DNA positions 7567 to 7570, 4 bases deleted (GTCA; older notation c.7567_7570delGTCA).
Protein change: p.Val2523fs; shifts the reading frame from valine 2523.
Molecular consequence: frameshift variant.
Genome position (GRCh38, 1-based): chr11:118,503,459-118,503,462, GTCA deleted; deleting any 4 consecutive bases within chr11:118,503,457-118,503,462 gives the same sequence; the c. name uses the placement nearest the transcript's 3' end. VCF-style (leftmost placement, unchanged base first): chr11-118503456-ACAGT-A. GRCh37 (hg19) VCF-style: chr11-118374171-ACAGT-A.
Other names: c.7558_7561del, p.Val2520fs (NM_005933.4); short protein forms V2520fs, V2523fs.
Identifiers: ClinVar variation 191274 (VCV000191274.5), dbSNP rs797044565, ClinGen allele CA236389.